The following is an entry in ClinVar:

ClinVar aggregate classification (germline): Uncertain significance (1 of 4 stars; one submission).

Submission:

Ambry Genetics
Classification: Uncertain significance. Last evaluated: 2024-10-11. Review status: criteria provided, single submitter. Criteria: Ambry Variant Classification Scheme 2023. Collection method: clinical testing. Allele origin: germline.
Comment: The p.D202V variant (also known as c.605A>T), located in coding exon 7 of the BUB1 gene, results from an A to T substitution at nucleotide position 605. The aspartic acid at codon 202 is replaced by valine, an amino acid with highly dissimilar properties. This amino acid position is conserved. In addition, this alteration is predicted to be tolerated by in silico analysis. Since supporting evidence is limited at this time, the clinical significance of this alteration remains unclear.

NM_004336.5(BUB1):c.605A>T (p.Asp202Val)

Gene: BUB1 (BUB1 mitotic checkpoint serine/threonine kinase; minus strand). Cytogenetic location: 2q13.
Variant type: single nucleotide variant.
Coding change: c.605A>T on transcript NM_004336.5 (MANE Select); coding-DNA position 605, A replaced by T.
Protein change: p.Asp202Val; replaces aspartic acid 202 with valine.
Molecular consequence: missense variant.
Genome position (GRCh38, 1-based): chr2:110,667,812, T>A on the plus strand (A>T on the coding strand, the complement: BUB1 is on the minus strand). VCF-style: chr2-110667812-T-A. GRCh37 (hg19) VCF-style: chr2-111425389-T-A.
Other names: c.545A>T, p.Asp182Val (NM_001278616.2); c.605A>T, p.Asp202Val (NM_001278617.2); short protein forms D182V, D202V.
Identifiers: ClinVar variation 1751313 (VCV001751313.3), dbSNP rs370567676, ClinGen allele CA348218192.
Genomic context (GRCh38, chr2:110,667,812, plus strand): 5'-ACTTAAAGGAAACTAATAATAGATTAATGCACTGATTATACTTGCATATTTGACTCTTTA[T>A]CACAAGCTGAAGATATCACTCCAGAAAGCTCTGAACCCTAAAAAACAGAAAACAAACATG-3'
Protein context (NP_004327.1, residues 192-212): ELSGVISSAC[Asp202Val]KESNMERRVI